The following is an entry in ClinVar:

NM_000173.7(GP1BA):c.371C>T (p.Ser124Phe)

Gene: GP1BA (glycoprotein Ib platelet subunit alpha; plus strand). Cytogenetic location: 17p13.2.
Variant type: single nucleotide variant.
Coding change: c.371C>T on transcript NM_000173.7 (MANE Select); coding-DNA position 371, C replaced by T.
Protein change: p.Ser124Phe; replaces serine 124 with phenylalanine.
Molecular consequence: missense variant.
Genome position (GRCh38, 1-based): chr17:4,932,975, C>T. VCF-style: chr17-4932975-C-T. GRCh37 (hg19) VCF-style: chr17-4836270-C-T.
Other names: short protein forms S124F.
Identifiers: ClinVar variation 5008157 (VCV005008157.1).

ClinVar aggregate classification (germline): Uncertain significance (1 of 4 stars; one submission).

Submission:

GeneDx
Classification: Uncertain significance. Last evaluated: 2026-03-14. Review status: criteria provided, single submitter. Criteria: GeneDx Variant Classification Process June 2021. Collection method: clinical testing. Allele origin: germline.
Comment: In silico analysis supports that this missense variant has a deleterious effect on protein structure/function; Has not been previously published as pathogenic or benign to our knowledge